The following is an entry in ClinVar:

NM_182961.4(SYNE1):c.21271A>C (p.Asn7091His)

Gene: SYNE1 (spectrin repeat containing nuclear envelope protein 1; minus strand). Cytogenetic location: 6q25.2.
Variant type: single nucleotide variant.
Coding change: c.21271A>C on transcript NM_182961.4 (MANE Select); coding-DNA position 21271, A replaced by C.
Protein change: p.Asn7091His; replaces asparagine 7091 with histidine.
Molecular consequence: missense variant.
Genome position (GRCh38, 1-based): chr6:152,225,801, T>G on the plus strand (A>C on the coding strand, the complement: SYNE1 is on the minus strand). VCF-style: chr6-152225801-T-G. GRCh37 (hg19) VCF-style: chr6-152546936-T-G.
Other names: c.21058A>C, p.Asn7020His (NM_033071.5); short protein forms N7020H, N7091H.
Identifiers: ClinVar variation 448572 (VCV000448572.12), dbSNP rs777618601, ClinGen allele CA150187980.
Genomic context (GRCh38, chr6:152,225,801, plus strand): 5'-AGGTTTGGCCGAGCTCTCGCAGTGTGCTCATGACAATGCTAGAGACGTCTTCTTTCTTGT[T>G]CTGAATCAAAGCAAGTCCATTCTGCTCAATTTTCTCTACTTCTTTTTCTTTTGCTTTAAT-3'
Protein context (NP_892006.3, residues 7081-7101): IEQNGLALIQ[Asn7091His]KKEDVSSIVM

ClinVar aggregate classification (germline): Uncertain significance. Review status: criteria provided, multiple submitters, no conflicts (2 of 4 stars). 4 submissions from 4 submitters: Uncertain significance (4). Last evaluated 2025-12-15.

Conditions:
Emery-Dreifuss muscular dystrophy 4, autosomal dominant (EDMD4). Also called: EMERY-DREIFUSS MUSCULAR DYSTROPHY 4 WITH VARIABLE FEATURES. Identifiers: Orphanet 261, MedGen C2751807, MONDO:0013071, OMIM 612998.
Autosomal recessive ataxia, Beauce type. Also called: Spinocerebellar ataxia, autosomal recessive 8; ATAXIA, RECESSIVE, OF BEAUCE; SYNE1-Related Autosomal Recessive Cerebellar Ataxia; SYNE1 Deficiency. Identifiers: Orphanet 88644, MedGen C1853116, MONDO:0012549, OMIM 610743.

Allele frequency attached by ClinVar (database versions not stated): TOPMed 0.00002; gnomAD exomes below 0.00001; gnomAD 0.00002.
gnomAD v4.1: 9 of 1,613,988 alleles (0.00056%); highest among the groups gnomAD compares: Admixed American, 0.0067%; no homozygotes.

Submissions (4):

Labcorp Genetics (formerly Invitae), Labcorp
Classification: Uncertain significance for Emery-Dreifuss muscular dystrophy 4, autosomal dominant; Autosomal recessive ataxia, Beauce type. Last evaluated: 2025-12-15. Review status: criteria provided, single submitter. Criteria: Invitae Variant Classification Sherloc (09022015). Collection method: clinical testing. Allele origin: germline.
Comment: This sequence change replaces asparagine, which is neutral and polar, with histidine, which is basic and polar, at codon 7020 of the SYNE1 protein (p.Asn7020His). This variant is present in population databases (rs777618601, gnomAD 0.0009%). This variant has not been reported in the literature in individuals affected with SYNE1-related conditions. ClinVar contains an entry for this variant (Variation ID: 448572). An algorithm developed to predict the effect of missense changes on protein structure and function (PolyPhen-2) suggests that this variant is likely to be disruptive. In summary, the available evidence is currently insufficient to determine the role of this variant in disease. Therefore, it has been classified as a Variant of Uncertain Significance.

GeneDx
Classification: Uncertain significance. Last evaluated: 2024-07-02. Review status: criteria provided, single submitter. Criteria: GeneDx Variant Classification Process June 2021. Collection method: clinical testing. Allele origin: germline. Affected: yes.
Comment: Not observed at significant frequency in large population cohorts (gnomAD); In silico analysis supports that this missense variant has a deleterious effect on protein structure/function; Has not been previously published as pathogenic or benign to our knowledge

Revvity Omics, Revvity
Classification: Uncertain significance. Last evaluated: 2019-10-09. Review status: criteria provided, single submitter. Criteria: ACMG Guidelines, 2015. Collection method: clinical testing. Allele origin: germline.

Athena Diagnostics
Classification: Uncertain significance. Last evaluated: 2016-12-05. Review status: criteria provided, single submitter. Criteria: Athena Diagnostics Criteria. Collection method: clinical testing. Allele origin: germline.